The following is an entry in ClinVar:

NM_001194998.2(CEP152):c.2695-1G>T

Gene: CEP152 (centrosomal protein 152; minus strand). Cytogenetic location: 15q21.1.
Variant type: single nucleotide variant.
Coding change: c.2695-1G>T on transcript NM_001194998.2 (MANE Select); the canonical splice acceptor site of the intron before coding-DNA position 2695, G replaced by T.
Molecular consequence: splice acceptor variant.
Genome position (GRCh38, 1-based): chr15:48,756,554, C>A on the plus strand (G>T on the coding strand, the complement: CEP152 is on the minus strand). VCF-style: chr15-48756554-C-A. GRCh37 (hg19) VCF-style: chr15-49048751-C-A.
Other names: c.2695-1G>T (NM_014985.4).
Identifiers: ClinVar variation 2376010 (VCV002376010.5), dbSNP rs768349870, ClinGen allele CA7548486.

ClinVar aggregate classification (germline): Conflicting classifications of pathogenicity. Review status: criteria provided, conflicting classifications (1 of 4 stars). 2 submissions from 2 submitters: Likely pathogenic (1); Uncertain significance (1). Last evaluated 2024-02-09.

Conditions:
Inborn genetic diseases. Identifiers: MedGen C0950123, MeSH D030342.

Allele frequency attached by ClinVar (database versions not stated): ExAC 0.00001; gnomAD exomes 0.00001; TOPMed 0.00001; gnomAD 0.00003.
gnomAD v4.1: 11 of 1,603,614 alleles (0.00069%); highest among the groups gnomAD compares: Non-Finnish European, 0.00093%; no homozygotes.

Submissions (2):

Labcorp Genetics (formerly Invitae), Labcorp
Classification: Likely pathogenic. Last evaluated: 2024-02-09. Review status: criteria provided, single submitter. Criteria: Invitae Variant Classification Sherloc (09022015). Collection method: clinical testing. Allele origin: germline.
Comment: This sequence change affects an acceptor splice site in intron 19 of the CEP152 gene. It is expected to disrupt RNA splicing. Variants that disrupt the donor or acceptor splice site typically lead to a loss of protein function (PMID: 16199547), and loss-of-function variants in CEP152 are known to be pathogenic (PMID: 21131973). The frequency data for this variant in the population databases is considered unreliable, as metrics indicate poor data quality at this position in the gnomAD database. This variant has not been reported in the literature in individuals affected with CEP152-related conditions. ClinVar contains an entry for this variant (Variation ID: 2376010). Algorithms developed to predict the effect of sequence changes on RNA splicing suggest that this variant may disrupt the consensus splice site. In summary, the currently available evidence indicates that the variant is pathogenic, but additional data are needed to prove that conclusively. Therefore, this variant has been classified as Likely Pathogenic.

Ambry Genetics
Classification: Uncertain significance for Inborn genetic diseases. Last evaluated: 2022-05-03. Review status: criteria provided, single submitter. Criteria: Ambry Variant Classification Scheme 2023. Collection method: clinical testing. Allele origin: germline.
Comment: The c.2695-1G>T intronic alteration consists of a G to T substitution one nucleotide before exon 20 (coding exon 19) of the CEP152 gene. Alterations that disrupt the canonical splice acceptor site are typically deleterious in nature (Richards, 2015). Based on insufficient or conflicting evidence, the clinical significance of this alteration remains unclear.

Literature cited by the submitters: PubMed 16199547 (cited by Labcorp Genetics (formerly Invitae), Labcorp); PubMed 21131973 (cited by Labcorp Genetics (formerly Invitae), Labcorp).